The following is an entry in ClinVar:

ClinVar aggregate classification (germline): Likely benign. Review status: criteria provided, multiple submitters, no conflicts (2 of 4 stars). 4 submissions from 4 submitters: Likely benign (3). 1 of the submissions does not count toward it. Last evaluated 2025-08-18.

Conditions:
Inborn genetic diseases. Identifiers: MedGen C0950123, MeSH D030342.
Autosomal recessive limb-girdle muscular dystrophy type 2B (LGMDR2). Also called: MUSCULAR DYSTROPHY, LIMB-GIRDLE, TYPE 3; Limb-girdle muscular dystrophy, type 2B; Limb-Girdle Muscular Dystrophy Type 2B (LGMD2B); MUSCULAR DYSTROPHY, LIMB-GIRDLE, AUTOSOMAL RECESSIVE 2. Identifiers: Orphanet 268, MedGen C1850889, MONDO:0009676, OMIM 253601.
Neuromuscular disease caused by qualitative or quantitative defects of dysferlin. Also called: Dysferlinopathy; Qualitative or quantitative defects of dysferlin. Identifiers: Orphanet 207073, MedGen C2931687, MONDO:0016145.

Allele frequency attached by ClinVar (database versions not stated): gnomAD 0.00001; gnomAD exomes 0.00002 and 0.00004; TOPMed 0.00003; ExAC 0.00007; ESP Exome Variant Server 0.00008.
gnomAD v4.1: 26 of 1,614,022 alleles (0.0016%); highest among the groups gnomAD compares: Admixed American, 0.013%; no homozygotes.

Submissions (4):

Labcorp Genetics (formerly Invitae), Labcorp
Classification: Likely benign for Neuromuscular disease caused by qualitative or quantitative defects of dysferlin. Last evaluated: 2025-08-18. Review status: criteria provided, single submitter. Criteria: Invitae Variant Classification Sherloc (09022015). Collection method: clinical testing. Allele origin: germline.

Ambry Genetics
Classification: Likely benign for Inborn genetic diseases. Last evaluated: 2025-06-10. Review status: criteria provided, single submitter. Criteria: Ambry Variant Classification Scheme 2023. Collection method: clinical testing. Allele origin: germline.

GeneDx
Classification: Likely benign. Last evaluated: 2019-01-23. Review status: criteria provided, single submitter. Criteria: GeneDx Variant Classification Process June 2021. Collection method: clinical testing. Allele origin: germline. Affected: yes.
Comment: See Variant Classification Assertion Criteria.

Counsyl
Classification: Uncertain significance for Autosomal recessive limb-girdle muscular dystrophy type 2B. Last evaluated: 2017-02-15. Review status: no assertion criteria provided. Collection method: clinical testing. Allele origin: unknown. Not counted in ClinVar's aggregate classification.

Literature cited by the submitters: PubMed 25591676 (cited by Counsyl).

NM_001130987.2(DYSF):c.3672C>T (p.Tyr1224=)

Gene: DYSF (dysferlin; plus strand). Cytogenetic location: 2p13.2.
Variant type: single nucleotide variant.
Coding change: c.3672C>T on transcript NM_001130987.2 (MANE Select); coding-DNA position 3672, C replaced by T.
Protein change: p.Tyr1224=; no amino-acid change (tyrosine 1224 retained).
Molecular consequence: synonymous variant.
Genome position (GRCh38, 1-based): chr2:71,598,661, C>T. VCF-style: chr2-71598661-C-T. GRCh37 (hg19) VCF-style: chr2-71825791-C-T.
Other names: c.3621C>T, p.Tyr1207= (NM_001130455.2, NM_001130983.2); c.3576C>T, p.Tyr1192= (NM_001130976.2, NM_001130977.2); c.3618C>T, p.Tyr1206= (NM_001130978.2, NM_003494.4); c.3711C>T, p.Tyr1237= (NM_001130979.2); c.3669C>T, p.Tyr1223= (NM_001130980.2, NM_001130981.2); c.3714C>T, p.Tyr1238= (NM_001130982.2); c.3579C>T, p.Tyr1193= (NM_001130984.2, NM_001130986.2); c.3672C>T, p.Tyr1224= (NM_001130985.2).
Identifiers: ClinVar variation 74689 (VCV000074689.15), dbSNP rs143393575, ClinGen allele CA1706660.